The following is an entry in ClinVar:

ClinVar aggregate classification (germline): Likely pathogenic (1 of 4 stars; one submission).

Conditions:
TG-related disorder. Also called: TG-related disorders; TG-related condition.

Submission:

PreventionGenetics, part of Exact Sciences
Classification: Likely pathogenic for TG-related condition. Last evaluated: 2025-04-13. Review status: criteria provided, single submitter. Criteria: ACMG Guidelines, 2015. Collection method: clinical testing. Allele origin: germline.
Comment: The TG c.1861dupA variant is predicted to result in a frameshift and premature protein termination (p.Thr621Asnfs*7). To our knowledge, this variant has not been reported in the literature in individuals with TG-related disorders. This variant is reported in 0.0062% of alleles in individuals of African descent in gnomAD. Frameshift variants in TG are expected to be pathogenic. This variant is interpreted as likely pathogenic.

NM_003235.5(TG):c.1861dup (p.Thr621fs)

Gene: TG (thyroglobulin; plus strand). Cytogenetic location: 8q24.22.
Variant type: Duplication.
Coding change: c.1861dup on transcript NM_003235.5 (MANE Select); coding-DNA position 1861, one base duplicated (A; older notation c.1861dupA).
Protein change: p.Thr621fs; shifts the reading frame from threonine 621.
Molecular consequence: frameshift variant.
Genome position (GRCh38, 1-based): chr8:132,887,233, A duplicated. VCF-style (leftmost placement, unchanged base first): chr8-132887232-C-CA. GRCh37 (hg19) VCF-style: chr8-133899477-C-CA.
Other names: short protein forms T621fs.
Identifiers: ClinVar variation 5002608 (VCV005002608.1).